The following is an entry in ClinVar:

NM_001042545.2(LTBP4):c.3363G>A (p.Ala1121=)

Gene: LTBP4 (latent transforming growth factor beta binding protein 4; plus strand). Cytogenetic location: 19q13.2.
Variant type: single nucleotide variant.
Coding change: c.3363G>A on transcript NM_001042545.2 (MANE Select); coding-DNA position 3363, G replaced by A.
Protein change: p.Ala1121=; no amino-acid change (alanine 1121 retained).
Molecular consequence: synonymous variant.
Genome position (GRCh38, 1-based): chr19:40,622,546, G>A. VCF-style: chr19-40622546-G-A. GRCh37 (hg19) VCF-style: chr19-41128451-G-A.
Other names: c.3564G>A, p.Ala1188= (NM_001042544.1); c.3453G>A, p.Ala1151= (NM_003573.2).
Identifiers: ClinVar variation 514719 (VCV000514719.5), dbSNP rs750895520, ClinGen allele CA9448987.

ClinVar aggregate classification (germline): Likely benign. Review status: criteria provided, multiple submitters, no conflicts (2 of 4 stars). 2 submissions from 2 submitters: Likely benign (2). Last evaluated 2025-12-06.

Allele frequency attached by ClinVar (database versions not stated): ExAC 0.00002; gnomAD 0.00003; gnomAD exomes 0.00003 and 0.00004; TOPMed 0.00007.

Submissions (2):

Labcorp Genetics (formerly Invitae), Labcorp
Classification: Likely benign. Last evaluated: 2025-12-06. Review status: criteria provided, single submitter. Criteria: Invitae Variant Classification Sherloc (09022015). Collection method: clinical testing. Allele origin: germline.

GeneDx
Classification: Likely benign. Last evaluated: 2018-01-22. Review status: criteria provided, single submitter. Criteria: GeneDx Variant Classification (06012015). Collection method: clinical testing. Allele origin: germline. Affected: yes.
Comment: This variant is considered likely benign or benign based on one or more of the following criteria: it is a conservative change, it occurs at a poorly conserved position in the protein, it is predicted to be benign by multiple in silico algorithms, and/or has population frequency not consistent with disease.